The following is an entry in ClinVar:

ClinVar aggregate classification (germline): Uncertain significance (1 of 4 stars; one submission).

Conditions:
Kabuki syndrome. Also called: NIIKAWA-KUROKI SYNDROME; Kabuki make-up syndrome. Identifiers: Orphanet 2322, MedGen C0796004, MONDO:0016512.

gnomAD v4.1: 3 of 1,608,386 alleles (0.00019%); highest among the groups gnomAD compares: Non-Finnish European, 0.00025%; no homozygotes.

Submission:

Labcorp Genetics (formerly Invitae), Labcorp
Classification: Uncertain significance for Kabuki syndrome. Last evaluated: 2025-02-26. Review status: criteria provided, single submitter. Criteria: Invitae Variant Classification Sherloc (09022015). Collection method: clinical testing. Allele origin: germline.
Comment: This sequence change replaces proline, which is neutral and non-polar, with threonine, which is neutral and polar, at codon 774 of the KMT2D protein (p.Pro774Thr). This variant is not present in population databases (gnomAD no frequency). This variant has not been reported in the literature in individuals affected with KMT2D-related conditions. Invitae Evidence Modeling of protein sequence and biophysical properties (such as structural, functional, and spatial information, amino acid conservation, physicochemical variation, residue mobility, and thermodynamic stability) indicates that this missense variant is not expected to disrupt KMT2D protein function with a negative predictive value of 95%. In summary, the available evidence is currently insufficient to determine the role of this variant in disease. Therefore, it has been classified as a Variant of Uncertain Significance.

NM_003482.4(KMT2D):c.2320C>A (p.Pro774Thr)

Gene: KMT2D (lysine methyltransferase 2D; minus strand). Cytogenetic location: 12q13.12.
Variant type: single nucleotide variant.
Coding change: c.2320C>A on transcript NM_003482.4 (MANE Select); coding-DNA position 2320, C replaced by A.
Protein change: p.Pro774Thr; replaces proline 774 with threonine.
Molecular consequence: missense variant.
Genome position (GRCh38, 1-based): chr12:49,051,363, G>T on the plus strand (C>A on the coding strand, the complement: KMT2D is on the minus strand). VCF-style: chr12-49051363-G-T. GRCh37 (hg19) VCF-style: chr12-49445146-G-T.
Other names: short protein forms P774T.
Identifiers: ClinVar variation 4702512 (VCV004702512.1).
Genomic context (GRCh38, chr12:49,051,363, plus strand): 5'-CCTCAGCCTGGGGGGACAAGTGTGGCTCCTCAGGCACAGCGCATAGGCATGGCTCCTCAG[G>T]CTGGGGGGACAGGTGTGGCTCCTCAGCCTGCGGAGATAGGTGTGGCTCCTCAGGCCGGGG-3'
Protein context (NP_003473.3, residues 764-784): QAEEPHLSPQ[Pro774Thr]EEPCLCAVPE